The following is an entry in ClinVar:

ClinVar aggregate classification (germline): Likely pathogenic (1 of 4 stars; one submission).

Submission:

Labcorp Genetics (formerly Invitae), Labcorp
Classification: Likely pathogenic. Last evaluated: 2023-12-30. Review status: criteria provided, single submitter. Criteria: Invitae Variant Classification Sherloc (09022015). Collection method: clinical testing. Allele origin: germline.
Comment: This sequence change affects an acceptor splice site in intron 4 of the USH2A gene. It is expected to disrupt RNA splicing. Variants that disrupt the donor or acceptor splice site typically lead to a loss of protein function (PMID: 16199547), and loss-of-function variants in USH2A are known to be pathogenic (PMID: 10729113, 10909849, 20507924, 25649381). This variant is not present in population databases (gnomAD no frequency). This variant has not been reported in the literature in individuals affected with USH2A-related conditions. Algorithms developed to predict the effect of sequence changes on RNA splicing suggest that this variant may disrupt the consensus splice site. In summary, the currently available evidence indicates that the variant is pathogenic, but additional data are needed to prove that conclusively. Therefore, this variant has been classified as Likely Pathogenic.

Literature cited by the submitters: PubMed 16199547; PubMed 10729113; PubMed 10909849; PubMed 20507924; PubMed 25649381.

NM_206933.4(USH2A):c.785-2A>C

Gene: USH2A (usherin; minus strand). Cytogenetic location: 1q41.
Variant type: single nucleotide variant.
Coding change: c.785-2A>C on transcript NM_206933.4 (MANE Select); the canonical splice acceptor site of the intron before coding-DNA position 785, A replaced by C.
Molecular consequence: splice acceptor variant.
Genome position (GRCh38, 1-based): chr1:216,327,656, T>G on the plus strand (A>C on the coding strand, the complement: USH2A is on the minus strand). VCF-style: chr1-216327656-T-G. GRCh37 (hg19) VCF-style: chr1-216500998-T-G.
Other names: c.785-2A>C (NM_007123.6).
Identifiers: ClinVar variation 2706534 (VCV002706534.3), dbSNP rs2527445617, ClinGen allele CA344912943.
Genomic context (GRCh38, chr1:216,327,656, plus strand): 5'-TGTAAGTGCCACTTGGTATAATCGAAAATCTTGCATTCTTCCGACAAACTGCTCTAAACC[T>G]GCAAATACACACATGTGCATAATATAAGAAGTCTCTGTTTACCAAGCAATACCTGACAAG-3'